The following is an entry in ClinVar:

ClinVar aggregate classification (germline): Uncertain significance (1 of 4 stars; one submission).

Conditions:
Autosomal recessive limb-girdle muscular dystrophy type 2O. Also called: Limb-Girdle Muscular Dystrophy Type 3C; MUSCULAR DYSTROPHY-DYSTROGLYCANOPATHY (LIMB-GIRDLE), TYPE C, 3; MUSCULAR DYSTROPHY-DYSTROGLYCANOPATHY, LIMB-GIRDLE, POMGNT1-RELATED. Identifiers: Orphanet 206564, MedGen C3150417, MONDO:0013161, OMIM 613157.
Muscular dystrophy-dystroglycanopathy (congenital with impaired intellectual development), type B, 3. Also called: Muscular dystrophy-dystroglycanopathy (congenital with intellectual disability), type B3; MUSCULAR DYSTROPHY, CONGENITAL, POMGNT1-RELATED. Identifiers: MedGen C3150412, MONDO:0013155, OMIM 613151.

Allele frequency attached by ClinVar (database versions not stated): gnomAD exomes below 0.00001.
gnomAD v4.1: 1 of 1,614,224 alleles (0.000062%); highest among the groups gnomAD compares: Admixed American, 0.0017%; no homozygotes.

Submission:

Labcorp Genetics (formerly Invitae), Labcorp
Classification: Uncertain significance for Autosomal recessive limb-girdle muscular dystrophy type 2O; Muscular dystrophy-dystroglycanopathy (congenital with impaired intellectual development), type B, 3. Last evaluated: 2021-11-13. Review status: criteria provided, single submitter. Criteria: Invitae Variant Classification Sherloc (09022015). Collection method: clinical testing. Allele origin: germline.
Comment: In summary, the available evidence is currently insufficient to determine the role of this variant in disease. Therefore, it has been classified as a Variant of Uncertain Significance. Advanced modeling of protein sequence and biophysical properties (such as structural, functional, and spatial information, amino acid conservation, physicochemical variation, residue mobility, and thermodynamic stability) performed at Invitae indicates that this missense variant is not expected to disrupt POMGNT1 protein function. This variant has not been reported in the literature in individuals affected with POMGNT1-related conditions. This variant is present in population databases (no rsID available, gnomAD 0.003%). This sequence change replaces serine, which is neutral and polar, with glycine, which is neutral and non-polar, at codon 270 of the POMGNT1 protein (p.Ser270Gly).

NM_017739.4(POMGNT1):c.808A>G (p.Ser270Gly)

Genes: POMGNT1 (protein O-linked mannose N-acetylglucosaminyltransferase 1 (beta 1,2-); minus strand), TSPAN1 (tetraspanin 1; plus strand). Cytogenetic location: 1p34.1.
Variant type: single nucleotide variant.
Coding change: c.808A>G on transcript NM_017739.4 (MANE Select); coding-DNA position 808, A replaced by G.
Protein change: p.Ser270Gly; replaces serine 270 with glycine.
Molecular consequence: missense variant.
Genome position (GRCh38, 1-based): chr1:46,194,345, T>C on the plus strand (A>G on the coding strand, the complement: POMGNT1 is on the minus strand). VCF-style: chr1-46194345-T-C. GRCh37 (hg19) VCF-style: chr1-46660017-T-C.
Other names: c.808A>G, p.Ser270Gly (NM_001243766.2, NM_001410783.1); c.742A>G, p.Ser248Gly (NM_001290129.3); c.379A>G, p.Ser127Gly (NM_001290130.2); short protein forms S127G, S248G, S270G.
Identifiers: ClinVar variation 1488652 (VCV001488652.6), dbSNP rs1216011919, ClinGen allele CA340183089.